The following is an entry in ClinVar:

ClinVar aggregate classification (germline): Benign/Likely benign. Review status: criteria provided, multiple submitters, no conflicts (2 of 4 stars). 10 submissions from 10 submitters: Benign (1); Likely benign (7). 2 of the submissions do not count toward it. Last evaluated 2026-02-03.

Conditions:
ALK-related disorder. Also called: ALK-related condition.
Hereditary cancer-predisposing syndrome. Also called: Tumor predisposition; Hereditary neoplastic syndrome; Neoplastic Syndromes, Hereditary; Hereditary Cancer Syndrome. Identifiers: Orphanet 140162, MedGen C0027672, MeSH D009386, MONDO:0015356.
Neuroblastoma, susceptibility to, 3. Also called: ALK-Related Neuroblastic Tumor Susceptibility. Identifiers: Orphanet 635, MedGen C2751681, MONDO:0013083, OMIM 613014.

Allele frequency attached by ClinVar (database versions not stated): gnomAD 0.00045 and 0.00051; ESP Exome Variant Server 0.00047; TOPMed 0.00050; gnomAD exomes 0.00059 and 0.00092; 1000 Genomes Project 30x 0.00062; ExAC 0.00101.
gnomAD v4.1: 1,400 of 1,603,346 alleles (0.087%); highest among the groups gnomAD compares: Non-Finnish European, 0.11%; 1 homozygote.

Submissions (10):

Labcorp Genetics (formerly Invitae), Labcorp
Classification: Likely benign for Neuroblastoma, susceptibility to, 3. Last evaluated: 2026-02-03. Review status: criteria provided, single submitter. Criteria: Invitae Variant Classification Sherloc (09022015). Collection method: clinical testing. Allele origin: germline.

Mayo Clinic Laboratories, Mayo Clinic
Classification: Likely benign. Last evaluated: 2025-08-25. Review status: criteria provided, single submitter. Criteria: ACMG Guidelines, 2015. Collection method: clinical testing. Allele origin: germline. Observed: 1 variant allele.
Comment: BS1, BP4_moderate

Blueprint Genetics
Classification: Likely benign. Last evaluated: 2024-11-15. Review status: criteria provided, single submitter. Criteria: ACMG Guidelines, 2015. Collection method: clinical testing. Allele origin: germline.

Ambry Genetics
Classification: Benign for Hereditary cancer-predisposing syndrome. Last evaluated: 2024-06-25. Review status: criteria provided, single submitter. Criteria: Ambry Variant Classification Scheme 2023. Collection method: clinical testing. Allele origin: germline.

KCCC/NGS Laboratory, Kuwait Cancer Control Center
Classification: Likely benign for Neuroblastoma, susceptibility to, 3. Last evaluated: 2023-07-07. Review status: criteria provided, single submitter. Criteria: ACMG Guidelines, 2015. Collection method: clinical testing. Allele origin: germline. Affected: yes.

Sema4
Classification: Likely benign for Hereditary cancer-predisposing syndrome. Last evaluated: 2021-03-31. Review status: criteria provided, single submitter. Criteria: Sema4 Curation Guidelines. Collection method: curation. Allele origin: germline.

GeneDx
Classification: Likely benign. Last evaluated: 2019-11-20. Review status: criteria provided, single submitter. Criteria: GeneDx Variant Classification Process June 2021. Collection method: clinical testing. Allele origin: germline. Affected: yes.
Comment: This variant is associated with the following publications: (PMID: 24728327)

Illumina Laboratory Services, Illumina
Classification: Likely benign for Neuroblastoma, susceptibility to, 3. Last evaluated: 2018-01-13. Review status: criteria provided, single submitter. Criteria: ICSL Variant Classification Criteria 13 December 2019. Collection method: clinical testing. Allele origin: germline.
Comment: This variant was observed in the ICSL laboratory as part of a predisposition screen in an ostensibly healthy population. It had not been previously curated by ICSL or reported in the Human Gene Mutation Database (HGMD: prior to June 1st, 2018), and was therefore a candidate for classification through an automated scoring system. Utilizing variant allele frequency, disease prevalence and penetrance estimates, and inheritance mode, an automated score was calculated to assess if this variant is too frequent to cause the disease. Based on the score and internal cut-off values, a variant classified as likely benign is not then subjected to further curation. The score for this variant resulted in a classification of likely benign for this disease.

PreventionGenetics, part of Exact Sciences
Classification: Likely benign for ALK-related condition. Last evaluated: 2021-04-21. Review status: no assertion criteria provided. Collection method: clinical testing. Allele origin: germline. Not counted in ClinVar's aggregate classification.
Comment: This variant is classified as likely benign based on ACMG/AMP sequence variant interpretation guidelines (Richards et al. 2015 PMID: 25741868, with internal and published modifications).

ITMI
No classification provided. Condition: AllHighlyPenetrant. Last evaluated: 2013-09-19. Review status: no classification provided. Collection method: reference population. Allele origin: germline. Not counted in ClinVar's aggregate classification.
Comment: Please see associated publication for description of ethnicities

Literature cited by the submitters: PubMed 24728327 (cited by ITMI).

NM_004304.5(ALK):c.106C>T (p.Pro36Ser)

Gene: ALK (ALK receptor tyrosine kinase; minus strand). Cytogenetic location: 2p23.1.
Variant type: single nucleotide variant.
Coding change: c.106C>T on transcript NM_004304.5 (MANE Select); coding-DNA position 106, C replaced by T.
Protein change: p.Pro36Ser; replaces proline 36 with serine.
Molecular consequence: missense variant.
Genome position (GRCh38, 1-based): chr2:29,920,554, G>A on the plus strand (C>T on the coding strand, the complement: ALK is on the minus strand). VCF-style: chr2-29920554-G-A. GRCh37 (hg19) VCF-style: chr2-30143420-G-A.
Other names: p.Pro36Ser; short protein forms P36S.
Identifiers: ClinVar variation 133457 (VCV000133457.23), dbSNP rs201490095, ClinGen allele CA156587.